The following is an entry in ClinVar:

ClinVar aggregate classification (germline): Likely benign. Review status: criteria provided, multiple submitters, no conflicts (2 of 4 stars). 3 submissions from 3 submitters: Likely benign (2). 1 of the submissions does not count toward it. Last evaluated 2026-01-12.

Conditions:
PGAP1-related disorder. Also called: PGAP1-related condition.
Intellectual disability, autosomal recessive 42 (NEDDSBA). Also called: GLYCOSYLPHOSPHATIDYLINOSITOL BIOSYNTHESIS DEFECT 9; Neurodevelopmental disorder with dysmorphic features, spasticity, and brain abnormalities. Identifiers: Orphanet 88616, MedGen C4014343, MONDO:0014348, OMIM 615802.

Allele frequency attached by ClinVar (database versions not stated): gnomAD exomes 0.00006 and 0.00008; TOPMed 0.00007; ESP Exome Variant Server 0.00008; gnomAD 0.00008; ExAC 0.00010.
gnomAD v4.1: 97 of 1,592,406 alleles (0.0061%); highest among the groups gnomAD compares: Middle Eastern, 0.084%; 1 homozygote.

Submissions (3):

Labcorp Genetics (formerly Invitae), Labcorp
Classification: Likely benign for Intellectual disability, autosomal recessive 42. Last evaluated: 2026-01-12. Review status: criteria provided, single submitter. Criteria: Invitae Variant Classification Sherloc (09022015). Collection method: clinical testing. Allele origin: germline.

CeGaT Center for Human Genetics Tuebingen
Classification: Likely benign. Last evaluated: 2025-01-01. Review status: criteria provided, single submitter. Criteria: CeGaT Center For Human Genetics Tuebingen Variant Classification Criteria Version 2. Collection method: clinical testing. Allele origin: germline. Affected: yes. Observed: 1 variant allele.
Comment: PGAP1: BP4

PreventionGenetics, part of Exact Sciences
Classification: Likely benign for PGAP1-related condition. Last evaluated: 2019-05-13. Review status: no assertion criteria provided. Collection method: clinical testing. Allele origin: germline. Not counted in ClinVar's aggregate classification.
Comment: This variant is classified as likely benign based on ACMG/AMP sequence variant interpretation guidelines (Richards et al. 2015 PMID: 25741868, with internal and published modifications).

NM_024989.4(PGAP1):c.650-6C>T

Gene: PGAP1 (post-GPI attachment to proteins inositol deacylase 1; minus strand). Cytogenetic location: 2q33.1.
Variant type: single nucleotide variant.
Coding change: c.650-6C>T on transcript NM_024989.4 (MANE Select); 6 bases into the intron before coding-DNA position 650, C replaced by T.
Molecular consequence: intron variant.
Genome position (GRCh38, 1-based): chr2:196,902,748, G>A on the plus strand (C>T on the coding strand, the complement: PGAP1 is on the minus strand). VCF-style: chr2-196902748-G-A. GRCh37 (hg19) VCF-style: chr2-197767472-G-A.
Other names: c.-462-6C>T (NM_001321100.2); c.128-6C>T (NM_001321099.2).
Identifiers: ClinVar variation 706294 (VCV000706294.26), dbSNP rs371032957, ClinGen allele CA2041144.